The following is an entry in ClinVar:

ClinVar aggregate classification (germline): Uncertain significance (1 of 4 stars; one submission).

Conditions:
CHARGE syndrome (CHARGE). Also called: Hittner Hirsch Kreh syndrome; CHARGE ASSOCIATION--COLOBOMA, HEART ANOMALY, CHOANAL ATRESIA, RETARDATION, GENITAL AND EAR ANOMALIES; Coloboma, heart anomaly, choanal atresia, retardation, genital and ear anomalies; CHARGE association; Hall-Hittner syndrome. Identifiers: Orphanet 138, MedGen C0265354, MONDO:0008965.

Allele frequency attached by ClinVar (database versions not stated): gnomAD exomes below 0.00001; TOPMed below 0.00001; gnomAD 0.00001.
gnomAD v4.1: 6 of 1,612,122 alleles (0.00037%); highest among the groups gnomAD compares: Non-Finnish European, 0.00051%; no homozygotes.

Submission:

Labcorp Genetics (formerly Invitae), Labcorp
Classification: Uncertain significance for CHARGE syndrome. Last evaluated: 2025-08-08. Review status: criteria provided, single submitter. Criteria: Invitae Variant Classification Sherloc (09022015). Collection method: clinical testing. Allele origin: germline.
Comment: This sequence change replaces cysteine, which is neutral and slightly polar, with serine, which is neutral and polar, at codon 170 of the SEMA3E protein (p.Cys170Ser). This variant is not present in population databases (gnomAD no frequency). This variant has not been reported in the literature in individuals affected with SEMA3E-related conditions. ClinVar contains an entry for this variant (Variation ID: 2085861). Invitae Evidence Modeling of protein sequence and biophysical properties (such as structural, functional, and spatial information, amino acid conservation, physicochemical variation, residue mobility, and thermodynamic stability) indicates that this missense variant is not expected to disrupt SEMA3E protein function with a negative predictive value of 80%. In summary, the available evidence is currently insufficient to determine the role of this variant in disease. Therefore, it has been classified as a Variant of Uncertain Significance.

NM_012431.3(SEMA3E):c.508T>A (p.Cys170Ser)

Gene: SEMA3E (semaphorin 3E; minus strand). Cytogenetic location: 7q21.11.
Variant type: single nucleotide variant.
Coding change: c.508T>A on transcript NM_012431.3 (MANE Select); coding-DNA position 508, T replaced by A.
Protein change: p.Cys170Ser; replaces cysteine 170 with serine.
Molecular consequence: missense variant.
Genome position (GRCh38, 1-based): chr7:83,418,432, A>T on the plus strand (T>A on the coding strand, the complement: SEMA3E is on the minus strand). VCF-style: chr7-83418432-A-T. GRCh37 (hg19) VCF-style: chr7-83047748-A-T.
Other names: c.328T>A, p.Cys110Ser (NM_001178129.2); short protein forms C110S, C170S.
Identifiers: ClinVar variation 2085861 (VCV002085861.4), dbSNP rs1223254192, ClinGen allele CA367934215.